The following is an entry in ClinVar:

NM_001080779.2(MYO1C):c.2409C>G (p.Pro803=)

Gene: MYO1C (myosin IC; minus strand). Cytogenetic location: 17p13.3.
Variant type: single nucleotide variant.
Coding change: c.2409C>G on transcript NM_001080779.2 (MANE Select); coding-DNA position 2409, C replaced by G.
Protein change: p.Pro803=; no amino-acid change (proline 803 retained).
Molecular consequence: synonymous variant.
Genome position (GRCh38, 1-based): chr17:1,470,292, G>C on the plus strand (C>G on the coding strand, the complement: MYO1C is on the minus strand). VCF-style: chr17-1470292-G-C. GRCh37 (hg19) VCF-style: chr17-1373586-G-C.
Other names: c.2352C>G, p.Pro784= (NM_001080950.2); c.2337C>G, p.Pro779= (NM_001363855.1); c.2304C>G, p.Pro768= (NM_033375.5).
Identifiers: ClinVar variation 3051574 (VCV003051574.2), dbSNP rs116680643, ClinGen allele CA8266998.

ClinVar aggregate classification (germline): Likely benign (0 of 4 stars; one submission).

Conditions:
MYO1C-related disorder. Also called: MYO1C-related condition.

gnomAD v4.1: 289 of 1,579,262 alleles (0.018%); highest among the groups gnomAD compares: Non-Finnish European, 0.024%; no homozygotes.

Submission:

PreventionGenetics, part of Exact Sciences
Classification: Likely benign for MYO1C-related condition. Last evaluated: 2020-01-16. Review status: no assertion criteria provided. Collection method: clinical testing. Allele origin: germline.
Comment: This variant is classified as likely benign based on ACMG/AMP sequence variant interpretation guidelines (Richards et al. 2015 PMID: 25741868, with internal and published modifications).